The following is an entry in ClinVar:

NM_002693.3(POLG):c.598dup (p.Glu200fs)

Genes: POLG (DNA polymerase gamma, catalytic subunit; minus strand), POLGARF (POLG alternative reading frame; minus strand). Cytogenetic location: 15q26.1.
Variant type: Duplication.
Coding change: c.598dup on transcript NM_002693.3 (MANE Select); coding-DNA position 598, one base duplicated (G; older notation c.598dupG).
Protein change: p.Glu200fs; shifts the reading frame from glutamic acid 200.
Molecular consequence: frameshift variant.
Genome position (GRCh38, 1-based): chr15:89,333,157, C duplicated on the plus strand (G on the coding strand, the reverse complement: POLG is on the minus strand); the first of 2 consecutive C bases (chr15:89,333,157-89,333,158); duplicating either gives the same sequence. VCF-style (leftmost placement, unchanged base first): chr15-89333156-T-TC. GRCh37 (hg19) VCF-style: chr15-89876387-T-TC.
Other names: c.653dup, p.Gly219fs (NM_001430120.1); c.598dup, p.Glu200fs (NM_001126131.2); short protein forms E200fs, G219fs.
Identifiers: ClinVar variation 5016269 (VCV005016269.1).

ClinVar aggregate classification (germline): Pathogenic (1 of 4 stars; one submission).

Conditions:
POLG-related disorder. Also called: POLG-Related Spectrum Disorders; POLG-related condition; POLG-Related Disorders. Identifiers: MedGen C4763519.

Submission:

Myriad Genetics, Inc.
Classification: Pathogenic for POLG-related disorder. Last evaluated: 2026-08-24. Review status: criteria provided, single submitter. Criteria: Myriad Autosomal Dominant, Autosomal Recessive and X-Linked Classification Criteria (2023). Collection method: clinical testing. Allele origin: unknown.
Comment: NM_002693.2(POLG):c.598dupG(E200Gfs*44) is expected to be pathogenic in the context of POLG-related disorders. This variant is predicted to lead to an abnormal or absent protein product due to the creation of a premature termination codon in POLG, a gene where loss-of-function variants are known to be pathogenic. Please note: this variant was assessed in the context of healthy population screening.